The following is an entry in ClinVar:

NM_001035.3(RYR2):c.7681C>T (p.Leu2561Phe)

Gene: RYR2 (ryanodine receptor 2; plus strand). Cytogenetic location: 1q43.
Variant type: single nucleotide variant.
Coding change: c.7681C>T on transcript NM_001035.3 (MANE Select); coding-DNA position 7681, C replaced by T.
Protein change: p.Leu2561Phe; replaces leucine 2561 with phenylalanine.
Molecular consequence: missense variant.
Genome position (GRCh38, 1-based): chr1:237,650,045, C>T. VCF-style: chr1-237650045-C-T. GRCh37 (hg19) VCF-style: chr1-237813345-C-T.
Other names: short protein forms L2561F.
Identifiers: ClinVar variation 1484655 (VCV001484655.10), dbSNP rs2148796916, ClinGen allele CA345399336.

ClinVar aggregate classification (germline): Uncertain significance. Review status: criteria provided, multiple submitters, no conflicts (2 of 4 stars). 2 submissions from 2 submitters: Uncertain significance (2). Last evaluated 2024-08-13.

Conditions:
Catecholaminergic polymorphic ventricular tachycardia 1. Also called: VENTRICULAR TACHYCARDIA, CATECHOLAMINERGIC POLYMORPHIC, 1, WITH OR WITHOUT ATRIAL DYSFUNCTION AND/OR DILATED CARDIOMYOPATHY; VENTRICULAR TACHYCARDIA, STRESS-INDUCED POLYMORPHIC 1; RYR2-Related Catecholaminergic Polymorphic Ventricular Tachycardia. Identifiers: Orphanet 3286, MedGen C1631597, MONDO:0011484, OMIM 604772.
Catecholaminergic polymorphic ventricular tachycardia (CVPT). Also called: Catecholamine-induced polymorphic ventricular tachycardia. Identifiers: Orphanet 3286, MedGen C5574922, MONDO:0017990.

gnomAD v4.1: 1 of 1,614,050 alleles (0.000062%); highest among the groups gnomAD compares: African/African-American, 0.0013%; no homozygotes.

Submissions (2):

All of Us Research Program, National Institutes of Health
Classification: Uncertain significance for Catecholaminergic polymorphic ventricular tachycardia. Last evaluated: 2024-08-13. Review status: criteria provided, single submitter. Criteria: ACMG Guidelines, 2015. Collection method: clinical testing. Allele origin: germline. Inheritance: Autosomal dominant inheritance. Observed: 2 variant alleles, 2 heterozygotes.
Comment: This missense variant replaces leucine with phenylalanine at codon 2561 of the RYR2 protein. Computational prediction suggests that this variant may have deleterious impact on protein structure and function (internally defined REVEL score threshold >= 0.7, PMID: 27666373). To our knowledge, functional studies have not been reported for this variant. This variant has not been reported in individuals affected with RYR2-related disorders in the literature. This variant has not been identified in the general population by the Genome Aggregation Database (gnomAD). The available evidence is insufficient to determine the role of this variant in disease conclusively. Therefore, this variant is classified as a Variant of Uncertain Significance.

This study involves interpretation of variants in research participants for the purpose of population health screening. Participant phenotype was not available at the time of variant classification. Additional details can be found in publication PMID: 35346344, PMCID: PMC8962531

Labcorp Genetics (formerly Invitae), Labcorp
Classification: Uncertain significance for Catecholaminergic polymorphic ventricular tachycardia 1. Last evaluated: 2021-05-30. Review status: criteria provided, single submitter. Criteria: Invitae Variant Classification Sherloc (09022015). Collection method: clinical testing. Allele origin: germline.
Comment: In summary, the available evidence is currently insufficient to determine the role of this variant in disease. Therefore, it has been classified as a Variant of Uncertain Significance. Advanced modeling of protein sequence and biophysical properties (such as structural, functional, and spatial information, amino acid conservation, physicochemical variation, residue mobility, and thermodynamic stability) performed at Invitae indicates that this missense variant is expected to disrupt RYR2 protein function. This variant has not been reported in the literature in individuals with RYR2-related conditions. This variant is not present in population databases (ExAC no frequency). This sequence change replaces leucine with phenylalanine at codon 2561 of the RYR2 protein (p.Leu2561Phe). The leucine residue is highly conserved and there is a small physicochemical difference between leucine and phenylalanine.